The following is an entry in ClinVar:

ClinVar aggregate classification (germline): Uncertain significance (1 of 4 stars; one submission).

Conditions:
Hereditary cancer-predisposing syndrome. Also called: Hereditary Cancer Syndrome; Hereditary neoplastic syndrome; Neoplastic Syndromes, Hereditary; Tumor predisposition. Identifiers: Orphanet 140162, MedGen C0027672, MeSH D009386, MONDO:0015356.

Submission:

Ambry Genetics
Classification: Uncertain significance for Hereditary cancer-predisposing syndrome. Last evaluated: 2025-04-29. Review status: criteria provided, single submitter. Criteria: Ambry Variant Classification Scheme 2023. Collection method: clinical testing. Allele origin: germline.
Comment: The p.I5T variant (also known as c.14T>C), located in coding exon 1 of the NF2 gene, results from a T to C substitution at nucleotide position 14. The isoleucine at codon 5 is replaced by threonine, an amino acid with similar properties. This amino acid position is conserved. In addition, the in silico prediction for this alteration is inconclusive. Based on the available evidence, the clinical significance of this variant remains unclear.

NM_000268.4(NF2):c.14T>C (p.Ile5Thr)

Gene: NF2 (NF2, moesin-ezrin-radixin like (MERLIN) tumor suppressor; plus strand). Cytogenetic location: 22q12.2.
Variant type: single nucleotide variant.
Coding change: c.14T>C on transcript NM_000268.4 (MANE Select); coding-DNA position 14, T replaced by C.
Protein change: p.Ile5Thr; replaces isoleucine 5 with threonine.
Molecular consequence: missense variant. On other transcripts: 5 prime UTR variant (4), non-coding transcript variant (1).
Genome position (GRCh38, 1-based): chr22:29,604,012, T>C. VCF-style: chr22-29604012-T-C. GRCh37 (hg19) VCF-style: chr22-30000001-T-C.
Other names: c.-217T>C (NM_001407053.1, NM_001407056.1); c.14T>C, p.Ile5Thr (NM_001407054.1, NM_001407055.1, NM_001407057.1 and 15 more transcripts); c.-627T>C (NM_001407065.1); c.-243T>C (NM_001407067.1); short protein forms I5T.
Identifiers: ClinVar variation 3919149 (VCV003919149.1).